The following is an entry in ClinVar:

NM_001012759.3(CTU2):c.424T>C (p.Phe142Leu)

Gene: CTU2 (cytosolic thiouridylase subunit 2; plus strand). Cytogenetic location: 16q24.3.
Variant type: single nucleotide variant.
Coding change: c.424T>C on transcript NM_001012759.3 (MANE Select); coding-DNA position 424, T replaced by C.
Protein change: p.Phe142Leu; replaces phenylalanine 142 with leucine.
Molecular consequence: missense variant.
Genome position (GRCh38, 1-based): chr16:88,712,354, T>C. VCF-style: chr16-88712354-T-C. GRCh37 (hg19) VCF-style: chr16-88778762-T-C.
Other names: c.424T>C (NM_001012759.2); c.424T>C, p.Phe142Leu (NM_001012762.3); c.637T>C, p.Phe213Leu (NM_001318507.2); c.163T>C, p.Phe55Leu (NM_001318513.2); short protein forms F213L, F142L, F55L.
Identifiers: ClinVar variation 2053471 (VCV002053471.7), dbSNP rs148239801, ClinGen allele CA8230302.

ClinVar aggregate classification (germline): Conflicting classifications of pathogenicity. Review status: criteria provided, conflicting classifications (1 of 4 stars). 3 submissions from 3 submitters: Uncertain significance (1); Likely benign (1). 1 of the submissions does not count toward it. Last evaluated 2024-10-24.

Conditions:
CTU2-related disorder. Also called: CTU2-related condition.

Allele frequency attached by ClinVar (database versions not stated): gnomAD exomes 0.00011; gnomAD 0.00111; 1000 Genomes Project 0.00180; 1000 Genomes Project 30x 0.00187; ExAC 0.00051; TOPMed 0.00139; ESP Exome Variant Server 0.00185.
gnomAD v4.1: 336 of 1,610,208 alleles (0.021%); highest among the groups gnomAD compares: African/African-American, 0.41%; no homozygotes.

Submissions (3):

Labcorp Genetics (formerly Invitae), Labcorp
Classification: Likely benign. Last evaluated: 2024-10-24. Review status: criteria provided, single submitter. Criteria: Invitae Variant Classification Sherloc (09022015). Collection method: clinical testing. Allele origin: germline.

GeneDx
Classification: Uncertain significance. Last evaluated: 2022-12-09. Review status: criteria provided, single submitter. Criteria: GeneDx Variant Classification Process June 2021. Collection method: clinical testing. Allele origin: germline. Affected: yes.
Comment: In silico analysis supports that this missense variant has a deleterious effect on protein structure/function; Has not been previously published as pathogenic or benign to our knowledge

PreventionGenetics, part of Exact Sciences
Classification: Likely benign for CTU2-related condition. Last evaluated: 2023-05-31. Review status: no assertion criteria provided. Collection method: clinical testing. Allele origin: germline. Not counted in ClinVar's aggregate classification.
Comment: This variant is classified as likely benign based on ACMG/AMP sequence variant interpretation guidelines (Richards et al. 2015 PMID: 25741868, with internal and published modifications).